The following is an entry in ClinVar:

NM_000064.4(C3):c.1033G>A (p.Gly345Arg)

Gene: C3 (complement C3; minus strand). Cytogenetic location: 19p13.3.
Variant type: single nucleotide variant.
Coding change: c.1033G>A on transcript NM_000064.4 (MANE Select); coding-DNA position 1033, G replaced by A.
Protein change: p.Gly345Arg; replaces glycine 345 with arginine.
Molecular consequence: missense variant.
Genome position (GRCh38, 1-based): chr19:6,712,594, C>T on the plus strand (G>A on the coding strand, the complement: C3 is on the minus strand). VCF-style: chr19-6712594-C-T. GRCh37 (hg19) VCF-style: chr19-6712605-C-T.
Other names: short protein forms G345R.
Identifiers: ClinVar variation 4741792 (VCV004741792.1).

ClinVar aggregate classification (germline): Uncertain significance (1 of 4 stars; one submission).

gnomAD v4.1: 17 of 1,614,096 alleles (0.0011%); highest among the groups gnomAD compares: Non-Finnish European, 0.0014%; no homozygotes.

Submission:

Labcorp Genetics (formerly Invitae), Labcorp
Classification: Uncertain significance. Last evaluated: 2025-07-16. Review status: criteria provided, single submitter. Criteria: Invitae Variant Classification Sherloc (09022015). Collection method: clinical testing. Allele origin: germline.
Comment: This sequence change replaces glycine, which is neutral and non-polar, with arginine, which is basic and polar, at codon 345 of the C3 protein (p.Gly345Arg). This variant is present in population databases (rs376875885, gnomAD 0.004%). This variant has not been reported in the literature in individuals affected with C3-related conditions. Invitae Evidence Modeling of protein sequence and biophysical properties (such as structural, functional, and spatial information, amino acid conservation, physicochemical variation, residue mobility, and thermodynamic stability) indicates that this missense variant is not expected to disrupt C3 protein function with a negative predictive value of 80%. In summary, the available evidence is currently insufficient to determine the role of this variant in disease. Therefore, it has been classified as a Variant of Uncertain Significance.